The following is an entry in ClinVar:

ClinVar aggregate classification (germline): Uncertain significance. Review status: criteria provided, multiple submitters, no conflicts (2 of 4 stars). 2 submissions from 2 submitters: Uncertain significance (2). Last evaluated 2023-09-01.

gnomAD v4.1: 1 of 1,610,674 alleles (0.000062%); highest among the groups gnomAD compares: South Asian, 0.0011%; no homozygotes.

Submissions (2):

CeGaT Center for Human Genetics Tuebingen
Classification: Uncertain significance. Last evaluated: 2023-09-01. Review status: criteria provided, single submitter. Criteria: CeGaT Center For Human Genetics Tuebingen Variant Classification Criteria Version 2. Collection method: clinical testing. Allele origin: germline. Affected: yes. Observed: 1 variant allele.
Comment: KCNQ2: PM2, PP3, BP5

Blueprint Genetics
Classification: Uncertain significance. Last evaluated: 2023-04-12. Review status: criteria provided, single submitter. Criteria: ACMG Guidelines, 2015. Collection method: clinical testing. Allele origin: germline.

NM_172107.4(KCNQ2):c.1777G>C (p.Val593Leu)

Gene: KCNQ2 (potassium voltage-gated channel subfamily Q member 2; minus strand). Cytogenetic location: 20q13.33.
Variant type: single nucleotide variant.
Coding change: c.1777G>C on transcript NM_172107.4 (MANE Select); coding-DNA position 1777, G replaced by C.
Protein change: p.Val593Leu; replaces valine 593 with leucine.
Molecular consequence: missense variant.
Genome position (GRCh38, 1-based): chr20:63,408,523, C>G on the plus strand (G>C on the coding strand, the complement: KCNQ2 is on the minus strand). VCF-style: chr20-63408523-C-G. GRCh37 (hg19) VCF-style: chr20-62039876-C-G.
Other names: c.1831G>C, p.Val611Leu (NM_001382235.1); c.1693G>C, p.Val565Leu (NM_004518.6); c.1723G>C, p.Val575Leu (NM_172106.3); c.1684G>C, p.Val562Leu (NM_172108.5); short protein forms V562L, V565L, V575L, V593L, V611L.
Identifiers: ClinVar variation 2582997 (VCV002582997.26), dbSNP rs372976131, ClinGen allele CA409640451.
Genomic context (GRCh38, chr20:63,408,523, plus strand): 5'-GCTCCGCCTCGGCCGGGCCCTTGGTGCGGTCCTTGTCCGTGATCGCTGGGCCCCGCCCCA[C>G]GATCTGGTCCACTCTACCGGGAACAGAGACCCCAAAGCATGAGTTCGGGTGGGTGCAGCA-3'
Protein context (NP_742105.1, residues 583-603): KSLQSRVDQI[Val593Leu]GRGPAITDKD